The following is an entry in ClinVar:

NM_006269.2(RP1):c.3251C>T (p.Pro1084Leu)

Gene: RP1 (RP1 axonemal microtubule associated; plus strand). Cytogenetic location: 8q12.1.
Variant type: single nucleotide variant.
Coding change: c.3251C>T on transcript NM_006269.2 (MANE Select); coding-DNA position 3251, C replaced by T.
Protein change: p.Pro1084Leu; replaces proline 1084 with leucine.
Molecular consequence: missense variant. On other transcripts: intron variant (1).
Genome position (GRCh38, 1-based): chr8:54,627,133, C>T. VCF-style: chr8-54627133-C-T. GRCh37 (hg19) VCF-style: chr8-55539693-C-T.
Other names: c.787+4845C>T (NM_001375654.1); short protein forms P1084L.
Identifiers: ClinVar variation 972647 (VCV000972647.11), dbSNP rs1431000310, ClinGen allele CA370995965.
Genomic context (GRCh38, chr8:54,627,133, plus strand): 5'-GTGTAGAGGCTGCCATTCAAGTAGATCCTATAGAAGAGGAAACTCCAAAAGACCTCTTAC[C>T]AGTCCTGATGCTTCACCAATTGCAAGCTTCAGTTCCTGGTATTCACAAGACTCAGAATGG-3'
Protein context (NP_006260.1, residues 1074-1094): IEEETPKDLL[Pro1084Leu]VLMLHQLQAS

ClinVar aggregate classification (germline): Uncertain significance. Review status: criteria provided, multiple submitters, no conflicts (2 of 4 stars). 2 submissions from 2 submitters: Uncertain significance (2). Last evaluated 2022-02-04.

Conditions:
Inborn genetic diseases. Identifiers: MedGen C0950123, MeSH D030342.

Allele frequency attached by ClinVar (database versions not stated): gnomAD exomes 0.00001.
gnomAD v4.1: 8 of 1,614,020 alleles (0.0005%); highest among the groups gnomAD compares: Non-Finnish European, 0.00068%; no homozygotes.

Submissions (2):

Labcorp Genetics (formerly Invitae), Labcorp
Classification: Uncertain significance. Last evaluated: 2022-02-04. Review status: criteria provided, single submitter. Criteria: Invitae Variant Classification Sherloc (09022015). Collection method: clinical testing. Allele origin: germline.
Comment: In summary, the available evidence is currently insufficient to determine the role of this variant in disease. Therefore, it has been classified as a Variant of Uncertain Significance. Algorithms developed to predict the effect of missense changes on protein structure and function output the following: SIFT: "Deleterious"; PolyPhen-2: "Benign"; Align-GVGD: "Class C0". The leucine amino acid residue is found in multiple mammalian species, which suggests that this missense change does not adversely affect protein function. ClinVar contains an entry for this variant (Variation ID: 972647). This variant has not been reported in the literature in individuals affected with RP1-related conditions. This variant is present in population databases (no rsID available, gnomAD 0.002%). This sequence change replaces proline, which is neutral and non-polar, with leucine, which is neutral and non-polar, at codon 1084 of the RP1 protein (p.Pro1084Leu).

Ambry Genetics
Classification: Uncertain significance for Inborn genetic diseases. Last evaluated: 2021-09-01. Review status: criteria provided, single submitter. Criteria: Ambry Variant Classification Scheme 2023. Collection method: clinical testing. Allele origin: germline.